The following is an entry in ClinVar:

ClinVar aggregate classification (germline): Uncertain significance (1 of 4 stars; one submission).

Conditions:
Peroxisome biogenesis disorder 5A (Zellweger) (PBD5A). Identifiers: Orphanet 912, MedGen C3553940, MONDO:0013932, OMIM 614866.

Allele frequency attached by ClinVar (database versions not stated): gnomAD exomes below 0.00001.
gnomAD v4.1: 1 of 1,614,138 alleles (0.000062%); highest among the groups gnomAD compares: Non-Finnish European, 0.000085%; no homozygotes.

Submission:

Labcorp Genetics (formerly Invitae), Labcorp
Classification: Uncertain significance for Peroxisome biogenesis disorder 5A (Zellweger). Last evaluated: 2022-02-22. Review status: criteria provided, single submitter. Criteria: Invitae Variant Classification Sherloc (09022015). Collection method: clinical testing. Allele origin: germline.
Comment: This sequence change replaces valine, which is neutral and non-polar, with isoleucine, which is neutral and non-polar, at codon 176 of the PEX2 protein (p.Val176Ile). In summary, the available evidence is currently insufficient to determine the role of this variant in disease. Therefore, it has been classified as a Variant of Uncertain Significance. Algorithms developed to predict the effect of missense changes on protein structure and function are either unavailable or do not agree on the potential impact of this missense change (SIFT: "Tolerated"; PolyPhen-2: "Probably Damaging"; Align-GVGD: "Class C0"). This variant has not been reported in the literature in individuals affected with PEX2-related conditions. This variant is not present in population databases (gnomAD no frequency).

NM_000318.3(PEX2):c.526G>A (p.Val176Ile)

Gene: PEX2 (peroxisomal biogenesis factor 2; minus strand). Cytogenetic location: 8q21.13.
Variant type: single nucleotide variant.
Coding change: c.526G>A on transcript NM_000318.3 (MANE Select); coding-DNA position 526, G replaced by A.
Protein change: p.Val176Ile; replaces valine 176 with isoleucine.
Molecular consequence: missense variant.
Genome position (GRCh38, 1-based): chr8:76,983,653, C>T on the plus strand (G>A on the coding strand, the complement: PEX2 is on the minus strand). VCF-style: chr8-76983653-C-T. GRCh37 (hg19) VCF-style: chr8-77895889-C-T.
Other names: c.526G>A, p.Val176Ile (NM_001079867.2, NM_001172086.2, NM_001172087.2); short protein forms V176I.
Identifiers: ClinVar variation 2102079 (VCV002102079.4), dbSNP rs2487451589, ClinGen allele CA371557157.